The following is an entry in ClinVar:

ClinVar aggregate classification (germline): Uncertain significance (1 of 4 stars; one submission).

Conditions:
Epilepsy. Also called: Seizure disorder. Identifiers: MedGen C0014544, MeSH D004827, MONDO:0005027.

Allele frequency attached by ClinVar (database versions not stated): gnomAD 0.00001; ExAC 0.00004; TOPMed 0.00006.
gnomAD v4.1: 23 of 1,574,722 alleles (0.0015%); highest among the groups gnomAD compares: Admixed American, 0.0036%; no homozygotes.

Submission:

Labcorp Genetics (formerly Invitae), Labcorp
Classification: Uncertain significance for Epilepsy. Last evaluated: 2022-11-08. Review status: criteria provided, single submitter. Criteria: Invitae Variant Classification Sherloc (09022015). Collection method: clinical testing. Allele origin: germline.
Comment: In summary, the available evidence is currently insufficient to determine the role of this variant in disease. Therefore, it has been classified as a Variant of Uncertain Significance. Algorithms developed to predict the effect of missense changes on protein structure and function are either unavailable or do not agree on the potential impact of this missense change (SIFT: "Tolerated"; PolyPhen-2: "Possibly Damaging"; Align-GVGD: "Class C0"). ClinVar contains an entry for this variant (Variation ID: 660057). This variant has not been reported in the literature in individuals affected with PIGQ-related conditions. The frequency data for this variant in the population databases is considered unreliable, as metrics indicate poor data quality at this position in the gnomAD database. This sequence change replaces threonine, which is neutral and polar, with methionine, which is neutral and non-polar, at codon 246 of the PIGQ protein (p.Thr246Met).

NM_004204.5(PIGQ):c.737C>T (p.Thr246Met)

Gene: PIGQ (phosphatidylinositol glycan anchor biosynthesis class Q; plus strand). Cytogenetic location: 16p13.3.
Variant type: single nucleotide variant.
Coding change: c.737C>T on transcript NM_004204.5 (MANE Select); coding-DNA position 737, C replaced by T.
Protein change: p.Thr246Met; replaces threonine 246 with methionine.
Molecular consequence: missense variant.
Genome position (GRCh38, 1-based): chr16:575,886, C>T. VCF-style: chr16-575886-C-T. GRCh37 (hg19) VCF-style: chr16-625886-C-T.
Other names: c.737C>T, p.Thr246Met (NM_148920.4); short protein forms T246M.
Identifiers: ClinVar variation 660057 (VCV000660057.8), dbSNP rs771310546, ClinGen allele CA7779962.
Genomic context (GRCh38, chr16:575,886, plus strand): 5'-CACTCCCACGCAGAGTGTTCAAGCTCTGGCCCCTGTCCTTCCTCGGGAGCAAACTCTCCA[C>T]GTGCGAACAGCTCCGGCACCGGCTGGAGCACCTCACGCTAATCTTCAGTACACGGAAGGC-3'
Protein context (NP_004195.2, residues 236-256): PLSFLGSKLS[Thr246Met]CEQLRHRLEH